The following is an entry in ClinVar:

NM_004525.3(LRP2):c.2117-13_2118del

Gene: LRP2 (LDL receptor related protein 2; minus strand). Cytogenetic location: 2q31.1.
Variant type: Deletion.
Coding change: c.2117-13_2118del on transcript NM_004525.3 (MANE Select); 13 bases into the intron before coding-DNA position 2117 through coding-DNA position 2118, 15 bases deleted (ATTCTTCCTACAGCT).
Molecular consequence: splice acceptor variant.
Genome position (GRCh38, 1-based): chr2:169,271,106-169,271,120, AGCTGTAGGAAGAAT deleted on the plus strand (ATTCTTCCTACAGCT on the coding strand, the reverse complement: LRP2 is on the minus strand); deleting any 15 consecutive bases within chr2:169,271,106-169,271,121 gives the same sequence; the c. name uses the placement nearest the transcript's 3' end. VCF-style (leftmost placement, unchanged base first): chr2-169271105-CAGCTGTAGGAAGAAT-C. GRCh37 (hg19) VCF-style: chr2-170127615-CAGCTGTAGGAAGAAT-C.
Identifiers: ClinVar variation 2127378 (VCV002127378.4), dbSNP rs2528483163, ClinGen allele CA2580064455.

ClinVar aggregate classification (germline): Likely pathogenic (1 of 4 stars; one submission).

Submission:

Labcorp Genetics (formerly Invitae), Labcorp
Classification: Likely pathogenic. Last evaluated: 2022-05-04. Review status: criteria provided, single submitter. Criteria: Invitae Variant Classification Sherloc (09022015). Collection method: clinical testing. Allele origin: germline.
Comment: This variant is not present in population databases (gnomAD no frequency). In summary, the currently available evidence indicates that the variant is pathogenic, but additional data are needed to prove that conclusively. Therefore, this variant has been classified as Likely Pathogenic. Algorithms developed to predict the effect of sequence changes on RNA splicing suggest that this variant may disrupt the consensus splice site. This variant has not been reported in the literature in individuals affected with LRP2-related conditions. This variant results in the deletion of part of exon 16 (c.2117-13_2118del) of the LRP2 gene. It is expected to disrupt RNA splicing. Variants that disrupt the donor or acceptor splice site typically lead to a loss of protein function (PMID: 16199547), and loss-of-function variants in LRP2 are known to be pathogenic (PMID: 17632512, 25682901).

Literature cited by the submitters: PubMed 16199547; PubMed 17632512; PubMed 25682901.